The following is an entry in ClinVar:

NM_015378.4(VPS13D):c.9701C>T (p.Pro3234Leu)

Gene: VPS13D (vacuolar protein sorting 13 homolog D; plus strand). Cytogenetic location: 1p36.22.
Variant type: single nucleotide variant.
Coding change: c.9701C>T on transcript NM_015378.4 (MANE Select); coding-DNA position 9701, C replaced by T.
Protein change: p.Pro3234Leu; replaces proline 3234 with leucine.
Molecular consequence: missense variant.
Genome position (GRCh38, 1-based): chr1:12,355,920, C>T. VCF-style: chr1-12355920-C-T. GRCh37 (hg19) VCF-style: chr1-12415977-C-T.
Other names: c.9626C>T, p.Pro3209Leu (NM_018156.4); short protein forms P3209L, P3234L.
Identifiers: ClinVar variation 3670558 (VCV003670558.2), dbSNP rs267597963.

ClinVar aggregate classification (germline): Uncertain significance (1 of 4 stars; one submission).

Submission:

Labcorp Genetics (formerly Invitae), Labcorp
Classification: Uncertain significance. Last evaluated: 2024-11-04. Review status: criteria provided, single submitter. Criteria: Invitae Variant Classification Sherloc (09022015). Collection method: clinical testing. Allele origin: germline.
Comment: This sequence change replaces proline, which is neutral and non-polar, with leucine, which is neutral and non-polar, at codon 3234 of the VPS13D protein (p.Pro3234Leu). This variant is not present in population databases (gnomAD no frequency). This variant has not been reported in the literature in individuals affected with VPS13D-related conditions. Invitae Evidence Modeling of protein sequence and biophysical properties (such as structural, functional, and spatial information, amino acid conservation, physicochemical variation, residue mobility, and thermodynamic stability) indicates that this missense variant is not expected to disrupt VPS13D protein function with a negative predictive value of 80%. In summary, the available evidence is currently insufficient to determine the role of this variant in disease. Therefore, it has been classified as a Variant of Uncertain Significance.